The following is an entry in ClinVar:

ClinVar aggregate classification (germline): Pathogenic (1 of 4 stars; one submission).

Conditions:
Early-infantile DEE. Also called: Early infantile epileptic encephalopathy; Ohtahara syndrome; Early infantile epileptic encephalopathy with suppression bursts. Identifiers: Orphanet 1934, MedGen C0393706, MONDO:0800491.

Submission:

Labcorp Genetics (formerly Invitae), Labcorp
Classification: Pathogenic for Early-infantile DEE. Last evaluated: 2021-05-14. Review status: criteria provided, single submitter. Criteria: Invitae Variant Classification Sherloc (09022015). Collection method: clinical testing. Allele origin: germline.
Comment: This sequence change creates a premature translational stop signal (p.Leu304Hisfs*3) in the SCN1A gene. It is expected to result in an absent or disrupted protein product. Loss-of-function variants in SCN1A are known to be pathogenic (PMID: 17347258, 18930999). This variant is not present in population databases (ExAC no frequency). For these reasons, this variant has been classified as Pathogenic. This variant has not been reported in the literature in individuals with SCN1A-related conditions.

Literature cited by the submitters: PubMed 17347258; PubMed 18930999.

NM_001165963.4(SCN1A):c.911_912del (p.Leu304fs)

Gene: SCN1A (sodium voltage-gated channel alpha subunit 1; minus strand). Cytogenetic location: 2q24.3.
Variant type: Deletion.
Coding change: c.911_912del on transcript NM_001165963.4 (MANE Select); coding-DNA positions 911 to 912, 2 bases deleted (TT; older notation c.911_912delTT).
Protein change: p.Leu304fs; shifts the reading frame from leucine 304.
Molecular consequence: frameshift variant. On other transcripts: 5 prime UTR variant (1), non-coding transcript variant (1).
Genome position (GRCh38, 1-based): chr2:166,051,771-166,051,772, AA deleted on the plus strand (TT on the coding strand, the reverse complement: SCN1A is on the minus strand). VCF-style (leftmost placement, unchanged base first): chr2-166051770-TAA-T. GRCh37 (hg19) VCF-style: chr2-166908280-TAA-T.
Other names: c.911_912del, p.Leu304fs (NM_001165964.3, NM_001202435.3, NM_001353948.2 and 10 more transcripts); c.-1515_-1514del (NM_001353961.2); short protein forms L304fs.
Identifiers: ClinVar variation 1402604 (VCV001402604.7), dbSNP rs2105888928, ClinGen allele CA2573133501.